The following is an entry in ClinVar:

NM_004946.3(DOCK2):c.3547G>A (p.Glu1183Lys)

Gene: DOCK2 (dedicator of cytokinesis 2; plus strand). Cytogenetic location: 5q35.1.
Variant type: single nucleotide variant.
Coding change: c.3547G>A on transcript NM_004946.3 (MANE Select); coding-DNA position 3547, G replaced by A.
Protein change: p.Glu1183Lys; replaces glutamic acid 1183 with lysine.
Molecular consequence: missense variant. On other transcripts: non-coding transcript variant (1).
Genome position (GRCh38, 1-based): chr5:170,034,478, G>A. VCF-style: chr5-170034478-G-A. GRCh37 (hg19) VCF-style: chr5-169461482-G-A.
Other names: c.3547G>A, p.Glu1183Lys (LRG_1227t1); short protein forms E1183K.
Identifiers: ClinVar variation 663524 (VCV000663524.8), dbSNP rs1581543832, ClinGen allele CA362107201.

ClinVar aggregate classification (germline): Uncertain significance (1 of 4 stars; one submission).

Conditions:
DOCK2 deficiency. Also called: Immunodeficiency 40. Identifiers: Orphanet 447737, MedGen C4225328, MONDO:0014637, OMIM 616433.

Allele frequency attached by ClinVar (database versions not stated): gnomAD exomes below 0.00001.
gnomAD v4.1: 1 of 1,614,164 alleles (0.000062%); highest among the groups gnomAD compares: Non-Finnish European, 0.000085%; no homozygotes.

Submission:

Labcorp Genetics (formerly Invitae), Labcorp
Classification: Uncertain significance for DOCK2 deficiency. Last evaluated: 2022-08-16. Review status: criteria provided, single submitter. Criteria: Invitae Variant Classification Sherloc (09022015). Collection method: clinical testing. Allele origin: germline.
Comment: This variant is not present in population databases (gnomAD no frequency). This sequence change replaces glutamic acid, which is acidic and polar, with lysine, which is basic and polar, at codon 1183 of the DOCK2 protein (p.Glu1183Lys). Algorithms developed to predict the effect of missense changes on protein structure and function (SIFT, PolyPhen-2, Align-GVGD) all suggest that this variant is likely to be tolerated. In summary, the available evidence is currently insufficient to determine the role of this variant in disease. Therefore, it has been classified as a Variant of Uncertain Significance. ClinVar contains an entry for this variant (Variation ID: 663524). This variant has not been reported in the literature in individuals affected with DOCK2-related conditions.